The following is an entry in ClinVar:

NM_000089.4(COL1A2):c.3280C>T (p.Pro1094Ser)

Gene: COL1A2 (collagen type I alpha 2 chain; plus strand). Cytogenetic location: 7q21.3.
Variant type: single nucleotide variant.
Coding change: c.3280C>T on transcript NM_000089.4 (MANE Select); coding-DNA position 3280, C replaced by T.
Protein change: p.Pro1094Ser; replaces proline 1094 with serine.
Molecular consequence: missense variant.
Genome position (GRCh38, 1-based): chr7:94,427,639, C>T. VCF-style: chr7-94427639-C-T. GRCh37 (hg19) VCF-style: chr7-94056951-C-T.
Other names: short protein forms P1094S.
Identifiers: ClinVar variation 3361178 (VCV003361178.2).
Genomic context (GRCh38, chr7:94,427,639, plus strand): 5'-ACTGTAACAAAATATAAAGCCTCTCCTATCTCACTTTCACCTTTGCAGGGCCCCCCTGGT[C>T]CCCCTGGCCCTCCTGGACCTCCAGGTGTAAGCGGTGGTGGTTATGACTTTGGTTACGATG-3'
Protein context (NP_000080.2, residues 1084-1104): GHQGPAGPPG[Pro1094Ser]PGPPGPPGVS

ClinVar aggregate classification (germline): Uncertain significance. Review status: criteria provided, multiple submitters, no conflicts (2 of 4 stars). 2 submissions from 2 submitters: Uncertain significance (2). Last evaluated 2025-10-12.

Conditions:
Ehlers-Danlos syndrome, classic type, 1 (EDSCL1). Also called: EHLERS-DANLOS SYNDROME, GRAVIS TYPE; EHLERS-DANLOS SYNDROME, SEVERE CLASSIC TYPE; Ehlers-Danlos syndrome, type 1; Ehlers-Danlos Syndrome, Classic Type, COL5A1-Related; EDS I. Identifiers: MedGen C0268335, MONDO:0019567, OMIM 130000.
Osteogenesis imperfecta type I (OI1). Also called: OI, TYPE I; OSTEOGENESIS IMPERFECTA TARDA; OSTEOGENESIS IMPERFECTA WITH BLUE SCLERAE; Osteogenesis imperfecta type 1; Lobstein's Disease; Lobstein disease. Identifiers: Orphanet 216796, Orphanet 666, MedGen C0023931, MONDO:0008146, OMIM 166200. Disease mechanism: loss of function.

gnomAD v4.1: 1 of 1,614,108 alleles (0.000062%); no homozygotes.

Submissions (2):

Labcorp Genetics (formerly Invitae), Labcorp
Classification: Uncertain significance for Osteogenesis imperfecta type I; Ehlers-Danlos syndrome, classic type, 1. Last evaluated: 2025-10-12. Review status: criteria provided, single submitter. Criteria: Invitae Variant Classification Sherloc (09022015). Collection method: clinical testing. Allele origin: germline.
Comment: This sequence change replaces proline, which is neutral and non-polar, with serine, which is neutral and polar, at codon 1094 of the COL1A2 protein (p.Pro1094Ser). This variant is present in population databases (rs781292351, gnomAD 0.01%). This variant has not been reported in the literature in individuals affected with COL1A2-related conditions. ClinVar contains an entry for this variant (Variation ID: 3361178). Invitae Evidence Modeling of protein sequence and biophysical properties (such as structural, functional, and spatial information, amino acid conservation, physicochemical variation, residue mobility, and thermodynamic stability) indicates that this missense variant is not expected to disrupt COL1A2 protein function with a negative predictive value of 95%. In summary, the available evidence is currently insufficient to determine the role of this variant in disease. Therefore, it has been classified as a Variant of Uncertain Significance.

GeneDx
Classification: Uncertain significance. Last evaluated: 2023-07-14. Review status: criteria provided, single submitter. Criteria: GeneDx Variant Classification Process June 2021. Collection method: clinical testing. Allele origin: germline. Affected: yes.
Comment: Not observed at significant frequency in large population cohorts (gnomAD); In silico analysis supports that this missense variant has a deleterious effect on protein structure/function; Has not been previously published as pathogenic or benign to our knowledge; Occurs in the triple helical domain at the X position in the canonical Gly-X-Y repeat; although this variant may have an effect on normal protein folding and function, missense substitution at the X position is not a common mechanism of disease (HGMD)